The following is an entry in ClinVar:

NM_004168.4(SDHA):c.1743_1744del (p.Ala582fs)

Gene: SDHA (succinate dehydrogenase complex flavoprotein subunit A; plus strand). Cytogenetic location: 5p15.33.
Variant type: Deletion.
Coding change: c.1743_1744del on transcript NM_004168.4 (MANE Select); coding-DNA positions 1743 to 1744, 2 bases deleted (AG; older notation c.1743_1744delAG).
Protein change: p.Ala582fs; shifts the reading frame from alanine 582.
Molecular consequence: frameshift variant. On other transcripts: intron variant (1).
Genome position (GRCh38, 1-based): chr5:251,417-251,418, AG deleted; deleting any 2 consecutive bases within chr5:251,416-251,418 gives the same sequence; the c. name uses the placement nearest the transcript's 3' end. VCF-style (leftmost placement, unchanged base first): chr5-251415-GGA-G. GRCh37 (hg19) VCF-style: chr5-251530-GGA-G.
Other names: c.1599_1600del, p.Ala534fs (NM_001294332.2); c.1552-2976_1552-2975del (NM_001330758.2); short protein forms A534fs, A582fs.
Identifiers: ClinVar variation 1453517 (VCV001453517.7), dbSNP rs2126633505, ClinGen allele CA2573139516.

ClinVar aggregate classification (germline): Pathogenic. Review status: criteria provided, multiple submitters, no conflicts (2 of 4 stars). 2 submissions from 2 submitters: Pathogenic (2). Last evaluated 2025-05-23.

Conditions:
Pheochromocytoma/paraganglioma syndrome 5. Also called: Paragangliomas 5; SDHA-Related Hereditary Paraganglioma-Pheochromocytoma Syndrome. Identifiers: Orphanet 29072, MedGen C3279992, MONDO:0013602, OMIM 614165.
Mitochondrial complex II deficiency, nuclear type 1. Also called: SUCCINATE CoQ REDUCTASE DEFICIENCY. Identifiers: Orphanet 3208, MedGen C5700310, MONDO:0100294, OMIM 252011.

Submissions (2):

Myriad Genetics, Inc.
Classification: Pathogenic for Pheochromocytoma/paraganglioma syndrome 5. Last evaluated: 2025-05-23. Review status: criteria provided, single submitter. Criteria: Myriad Autosomal Dominant, Autosomal Recessive and X-Linked Classification Criteria (2023). Collection method: clinical testing. Allele origin: unknown.
Comment: This variant is considered pathogenic. This variant creates a frameshift predicted to result in premature protein truncation.

Labcorp Genetics (formerly Invitae), Labcorp
Classification: Pathogenic for Pheochromocytoma/paraganglioma syndrome 5; Mitochondrial complex II deficiency, nuclear type 1. Last evaluated: 2023-08-07. Review status: criteria provided, single submitter. Criteria: Invitae Variant Classification Sherloc (09022015). Collection method: clinical testing. Allele origin: germline.
Comment: This sequence change creates a premature translational stop signal (p.Ala582Argfs*20) in the SDHA gene. It is expected to result in an absent or disrupted protein product. Loss-of-function variants in SDHA are known to be pathogenic (PMID: 22974104, 24781757). This variant is not present in population databases (gnomAD no frequency). This variant has not been reported in the literature in individuals affected with SDHA-related conditions. ClinVar contains an entry for this variant (Variation ID: 1453517). For these reasons, this variant has been classified as Pathogenic.

Literature cited by the submitters: PubMed 22974104 (cited by Labcorp Genetics (formerly Invitae), Labcorp); PubMed 24781757 (cited by Labcorp Genetics (formerly Invitae), Labcorp).